The following is an entry in ClinVar:

ClinVar aggregate classification (germline): Pathogenic (1 of 4 stars; one submission).

Conditions:
Microcephaly, normal intelligence and immunodeficiency (NBS). Also called: IMMUNODEFICIENCY, MICROCEPHALY, AND CHROMOSOMAL INSTABILITY; SEEMANOVA SYNDROME II; Nijmegen breakage syndrome; Microcephaly with normal intelligence immunodeficiency and lymphoreticular malignancies; Nonsyndromal microcephaly autosomal recessive with normal intelligence; Seemanova syndrome 2. Identifiers: Orphanet 647, MedGen C0398791, MONDO:0009623, OMIM 251260.

Submission:

Myriad Genetics, Inc.
Classification: Pathogenic for Microcephaly, normal intelligence and immunodeficiency. Last evaluated: 2023-09-27. Review status: criteria provided, single submitter. Criteria: Myriad Autosomal Dominant, Autosomal Recessive and X-Linked Classification Criteria (2023). Collection method: clinical testing. Allele origin: unknown.
Comment: NM_002485.4(NBN):c.29dupC(A11Gfs*13) is expected to be pathogenic in the context of Nijmegen breakage syndrome. This variant is predicted to lead to an abnormal or absent protein product due to the creation of a premature termination codon in NBN, a gene where loss-of-function variants are known to be pathogenic. Please note: this variant was assessed in the context of healthy population screening.

NM_002485.5(NBN):c.29dup (p.Ala11fs)

Gene: NBN (nibrin; minus strand). Cytogenetic location: 8q21.3.
Variant type: Duplication.
Coding change: c.29dup on transcript NM_002485.5 (MANE Select); coding-DNA position 29, one base duplicated (C; older notation c.29dupC).
Protein change: p.Ala11fs; shifts the reading frame from alanine 11.
Molecular consequence: frameshift variant. On other transcripts: 5 prime UTR variant (1).
Genome position (GRCh38, 1-based): chr8:89,984,533, G duplicated on the plus strand (C on the coding strand, the reverse complement: NBN is on the minus strand); the first of 3 consecutive G bases (chr8:89,984,533-89,984,535); duplicating any one gives the same sequence. VCF-style (leftmost placement, unchanged base first): chr8-89984532-C-CG. GRCh37 (hg19) VCF-style: chr8-90996760-C-CG.
Other names: c.-268dup (NM_001024688.3); short protein forms A11fs.
Identifiers: ClinVar variation 5012053 (VCV005012053.1).
Genomic context (GRCh38, chr8:89,984,532, plus strand): 5'-CGAGGCAGTCGCTACCGGGAAAATAGGCCCCGAGGCTTCCCTTCTGCCCTTACCTCCTGC[C>CG]GGGCCCGCGGCGGGCAGCAGTTTCCACATCGGTCCGGCTCCTCAGGGCTGGGGCCGACGT-3'